The following is an entry in ClinVar:

ClinVar aggregate classification (germline): Uncertain significance (1 of 4 stars; one submission).

Conditions:
Cardiomyopathy (CMYO). Also called: Cardiomyopathies. Identifiers: Orphanet 167848, MedGen C0878544, MONDO:0004994, HP:0001638. Inheritance: Various modes of inheritance.

Allele frequency attached by ClinVar (database versions not stated): TOPMed below 0.00001.

Submission:

Color Diagnostics, LLC DBA Color Health
Classification: Uncertain significance for Cardiomyopathy. Last evaluated: 2021-09-14. Review status: criteria provided, single submitter. Criteria: ACMG Guidelines, 2015. Collection method: clinical testing. Allele origin: germline.
Comment: This variant causes a G to A nucleotide substitution at the +1 position of intron 57 of the RYR2 gene. Splice prediction tools suggest that this variant may have a significant impact on splicing. To our knowledge, functional studies have not been reported for this variant. This variant has not been reported in individuals affected with cardiovascular disorders in the literature. This variant has not been identified in the general population by the Genome Aggregation Database (gnomAD). Clinical relevance of loss-of-function truncation and splice variants in the RYR2 gene is not clearly established. The available evidence is insufficient to determine the role of this variant in disease conclusively. Therefore, this variant is classified as a Variant of Uncertain Significance.

NM_001035.3(RYR2):c.8514+1G>A

Gene: RYR2 (ryanodine receptor 2; plus strand). Cytogenetic location: 1q43.
Variant type: single nucleotide variant.
Coding change: c.8514+1G>A on transcript NM_001035.3 (MANE Select); the canonical splice donor site of the intron after coding-DNA position 8514, G replaced by A.
Molecular consequence: splice donor variant.
Genome position (GRCh38, 1-based): chr1:237,666,590, G>A. VCF-style: chr1-237666590-G-A. GRCh37 (hg19) VCF-style: chr1-237829890-G-A.
Identifiers: ClinVar variation 2774349 (VCV002774349.2), dbSNP rs1684347209, ClinGen allele CA345402254.